The following is an entry in ClinVar:

ClinVar aggregate classification (germline): Uncertain significance. Review status: criteria provided, multiple submitters, no conflicts (2 of 4 stars). 2 submissions from 2 submitters: Uncertain significance (2). Last evaluated 2025-04-11.

Conditions:
Inborn genetic diseases. Identifiers: MedGen C0950123, MeSH D030342.

gnomAD v4.1: 57 of 1,613,448 alleles (0.0035%); highest among the groups gnomAD compares: Non-Finnish European, 0.0046%; no homozygotes.

Submissions (2):

Ambry Genetics
Classification: Uncertain significance for Inborn genetic diseases. Last evaluated: 2025-04-11. Review status: criteria provided, single submitter. Criteria: Ambry Variant Classification Scheme 2023. Collection method: clinical testing. Allele origin: germline.

GeneDx
Classification: Uncertain significance. Last evaluated: 2024-08-06. Review status: criteria provided, single submitter. Criteria: GeneDx Variant Classification Process June 2021. Collection method: clinical testing. Allele origin: germline. Affected: yes.
Comment: Not observed at significant frequency in large population cohorts (gnomAD); In silico analysis indicates that this missense variant does not alter protein structure/function; Has not been previously published as pathogenic or benign to our knowledge

NM_018238.4(AGK):c.358A>G (p.Ile120Val)

Gene: AGK (acylglycerol kinase; plus strand). Cytogenetic location: 7q34.
Variant type: single nucleotide variant.
Coding change: c.358A>G on transcript NM_018238.4 (MANE Select); coding-DNA position 358, A replaced by G.
Protein change: p.Ile120Val; replaces isoleucine 120 with valine.
Molecular consequence: missense variant.
Genome position (GRCh38, 1-based): chr7:141,611,255, A>G. VCF-style: chr7-141611255-A-G. GRCh37 (hg19) VCF-style: chr7-141311055-A-G.
Other names: c.358A>G, p.Ile120Val (NM_001364948.3); short protein forms I120V.
Identifiers: ClinVar variation 3603231 (VCV003603231.2).